The following is an entry in ClinVar:

ClinVar aggregate classification (germline): Uncertain significance (1 of 4 stars; one submission).

Submission:

Women's Health and Genetics/Laboratory Corporation of America, LabCorp
Classification: Uncertain significance. Last evaluated: 2025-07-16. Review status: criteria provided, single submitter. Criteria: LabCorp Variant Classification Summary - May 2015. Collection method: clinical testing. Allele origin: germline.
Comment: Variant summary: HECW2 c.200A>G (p.Glu67Gly) results in a non-conservative amino acid change in the encoded protein sequence. Algorithms developed to predict the effect of missense changes on protein structure and function are either unavailable or do not agree on the potential impact of this missense change. The variant was absent in 251262 control chromosomes. The available data on variant occurrences in the general population are insufficient to allow any conclusion about variant significance. To our knowledge, no occurrence of c.200A>G in individuals affected with Neurodevelopmental disorder with hypotonia, seizures, and absent language and no experimental evidence demonstrating its impact on protein function have been reported. No submitters have cited clinical-significance assessments for this variant to ClinVar. Based on the evidence outlined above, the variant was classified as uncertain significance.

NM_001348768.2(HECW2):c.200A>G (p.Glu67Gly)

Gene: HECW2 (HECT, C2 and WW domain containing E3 ubiquitin protein ligase 2; minus strand). Cytogenetic location: 2q32.3.
Variant type: single nucleotide variant.
Coding change: c.200A>G on transcript NM_001348768.2 (MANE Select); coding-DNA position 200, A replaced by G.
Protein change: p.Glu67Gly; replaces glutamic acid 67 with glycine.
Molecular consequence: missense variant.
Genome position (GRCh38, 1-based): chr2:196,433,224, T>C on the plus strand (A>G on the coding strand, the complement: HECW2 is on the minus strand). VCF-style: chr2-196433224-T-C. GRCh37 (hg19) VCF-style: chr2-197297948-T-C.
Other names: c.200A>G, p.Glu67Gly (NM_020760.4); short protein forms E67G.
Identifiers: ClinVar variation 4525855 (VCV004525855.1).